The following is an entry in ClinVar:

ClinVar aggregate classification (germline): Uncertain significance (1 of 4 stars; one submission).

Conditions:
Inborn genetic diseases. Identifiers: MedGen C0950123, MeSH D030342.

gnomAD v4.1: 8 of 1,614,118 alleles (0.0005%); highest among the groups gnomAD compares: East Asian, 0.0022%; no homozygotes.

Submission:

Ambry Genetics
Classification: Uncertain significance for Inborn genetic diseases. Last evaluated: 2025-04-06. Review status: criteria provided, single submitter. Criteria: Ambry Variant Classification Scheme 2023. Collection method: clinical testing. Allele origin: germline.
Comment: The p.R457W variant (also known as c.1369C>T), located in coding exon 6 of the SH2B3 gene, results from a C to T substitution at nucleotide position 1369. The arginine at codon 457 is replaced by tryptophan, an amino acid with dissimilar properties. This amino acid position is conserved. In addition, this alteration is predicted to be tolerated by in silico analysis. Based on the available evidence, the clinical significance of this variant remains unclear.

NM_005475.3(SH2B3):c.1369C>T (p.Arg457Trp)

Gene: SH2B3 (SH2B adaptor protein 3; plus strand). Cytogenetic location: 12q24.12.
Variant type: single nucleotide variant.
Coding change: c.1369C>T on transcript NM_005475.3 (MANE Select); coding-DNA position 1369, C replaced by T.
Protein change: p.Arg457Trp; replaces arginine 457 with tryptophan.
Molecular consequence: missense variant.
Genome position (GRCh38, 1-based): chr12:111,447,788, C>T. VCF-style: chr12-111447788-C-T. GRCh37 (hg19) VCF-style: chr12-111885592-C-T.
Other names: c.763C>T, p.Arg255Trp (NM_001291424.1); short protein forms R457W, R255W.
Identifiers: ClinVar variation 3953428 (VCV003953428.1).
Genomic context (GRCh38, chr12:111,447,788, plus strand): 5'-ATGCTCCACCACTTCCAGCGCTCGCCCATCCCACTCGAGTGCGGCGCCGCCTGTGATGTC[C>T]GGCTCTCCAGCTACGTGGTAGTCGTCTCCCAACCACCAGGTCTGACCCTACTGCCCTTTG-3'
Protein context (NP_005466.1, residues 447-467): PLECGAACDV[Arg457Trp]LSSYVVVVSQ